The following is an entry in ClinVar:

NM_030650.3(LNPK):c.357+1G>A

Gene: LNPK (lunapark, ER junction formation factor; minus strand). Cytogenetic location: 2q31.1.
Variant type: single nucleotide variant.
Coding change: c.357+1G>A on transcript NM_030650.3 (MANE Select); the canonical splice donor site of the intron after coding-DNA position 357, G replaced by A.
Molecular consequence: splice donor variant.
Genome position (GRCh38, 1-based): chr2:175,970,763, C>T on the plus strand (G>A on the coding strand, the complement: LNPK is on the minus strand). VCF-style: chr2-175970763-C-T. GRCh37 (hg19) VCF-style: chr2-176835491-C-T.
Other names: IVS6, +1, G-A; c.-13+1G>A (NM_001305011.2); c.363+1G>A (NM_001305010.1); c.357+1G>A (NM_001305009.1); c.555+1G>A (NM_001305008.1).
Identifiers: ClinVar variation 4074279 (VCV004074279.2).

ClinVar aggregate classification (germline): Pathogenic (0 of 4 stars; one submission).

Conditions:
Neurodevelopmental disorder with epilepsy and hypoplasia of the corpus callosum. Identifiers: MedGen C4748137, MONDO:0060761, OMIM 618090.

Submission:

OMIM
Classification: Pathogenic for NEURODEVELOPMENTAL DISORDER WITH EPILEPSY AND HYPOPLASIA OF THE CORPUS CALLOSUM. Last evaluated: 2026-09-14. Review status: no assertion criteria provided. Collection method: literature only. Allele origin: germline.

Literature cited by the submitters: PubMed 41204669 (cited by OMIM).